The following is an entry in ClinVar:

ClinVar aggregate classification (germline): Conflicting classifications of pathogenicity. Review status: criteria provided, conflicting classifications (1 of 4 stars). 11 submissions from 11 submitters: Uncertain significance (2); Benign (2); Likely benign (4). 3 of the submissions do not count toward it. Last evaluated 2026-01-28.

Conditions:
LOXHD1-related disorder. Also called: LOXHD1-related condition.
Autosomal recessive nonsyndromic hearing loss 77. Identifiers: Orphanet 90636, MedGen C2746083, MONDO:0013119, OMIM 613079.

Allele frequency attached by ClinVar (database versions not stated): ExAC 0.00085; ESP Exome Variant Server 0.00088; TOPMed 0.00138; gnomAD exomes 0.00152 and 0.00197; gnomAD 0.00168.
gnomAD v4.1: 2,973 of 1,551,576 alleles (0.19%); highest among the groups gnomAD compares: Non-Finnish European, 0.22%; 1 homozygote.

Submissions (11):

Labcorp Genetics (formerly Invitae), Labcorp
Classification: Benign. Last evaluated: 2026-01-28. Review status: criteria provided, single submitter. Criteria: Invitae Variant Classification Sherloc (09022015). Collection method: clinical testing. Allele origin: germline.

CeGaT Center for Human Genetics Tuebingen
Classification: Likely benign. Last evaluated: 2025-12-01. Review status: criteria provided, single submitter. Criteria: CeGaT Center For Human Genetics Tuebingen Variant Classification Criteria Version 2. Collection method: clinical testing. Allele origin: germline. Affected: yes. Observed: 3 variant alleles.
Comment: LOXHD1: BP4, BP7

Blueprint Genetics
Classification: Likely benign. Last evaluated: 2024-11-26. Review status: criteria provided, single submitter. Criteria: ACMG Guidelines, 2015. Collection method: clinical testing. Allele origin: germline.

Athena Diagnostics
Classification: Benign. Last evaluated: 2019-06-05. Review status: criteria provided, single submitter. Criteria: Athena Diagnostics Criteria. Collection method: clinical testing. Allele origin: germline.

GeneDx
Classification: Likely benign. Last evaluated: 2018-10-17. Review status: criteria provided, single submitter. Criteria: GeneDx Variant Classification Process June 2021. Collection method: clinical testing. Allele origin: germline. Affected: yes.

Illumina Laboratory Services, Illumina
Classification: Uncertain significance for Autosomal recessive nonsyndromic hearing loss 77. Last evaluated: 2018-01-12. Review status: criteria provided, single submitter. Criteria: ICSL Variant Classification Criteria 13 December 2019. Collection method: clinical testing. Allele origin: germline.

Eurofins Ntd Llc (ga)
Classification: Uncertain significance. Last evaluated: 2016-09-02. Review status: criteria provided, single submitter. Criteria: EGL Classification Definitions 2015. Collection method: clinical testing. Allele origin: germline. Observed: 1 variant allele, 1 heterozygote.

Laboratory for Molecular Medicine, Mass General Brigham Personalized Medicine
Classification: Likely benign. Last evaluated: 2015-01-28. Review status: criteria provided, single submitter. Criteria: LMM Criteria. Collection method: clinical testing. Allele origin: germline. Observed: 8 variant alleles.
Comment: p.Gly1709Gly in exon 33 of LOXHD1: This variant is not expected to have clinical significance because it does not alter an amino acid residue, is not located wi thin the splice consensus sequence, and has been identified in 0.2% (18/8740) of European chromosomes by the Exome Aggregation Consortium (ExAC).

Natera, Inc.
Classification: Benign for Autosomal recessive deafness type 77. Last evaluated: 2020-06-29. Review status: no assertion criteria provided. Collection method: clinical testing. Allele origin: germline. Not counted in ClinVar's aggregate classification.

PreventionGenetics, part of Exact Sciences
Classification: Likely benign for LOXHD1-related condition. Last evaluated: 2019-10-15. Review status: no assertion criteria provided. Collection method: clinical testing. Allele origin: germline. Not counted in ClinVar's aggregate classification.
Comment: This variant is classified as likely benign based on ACMG/AMP sequence variant interpretation guidelines (Richards et al. 2015 PMID: 25741868, with internal and published modifications).

Counsyl
Classification: Likely benign for Autosomal recessive nonsyndromic hearing loss 77. Last evaluated: 2017-03-27. Review status: no assertion criteria provided. Collection method: clinical testing. Allele origin: unknown. Not counted in ClinVar's aggregate classification.

NM_001384474.1(LOXHD1):c.5313C>T (p.Gly1771=)

Gene: LOXHD1 (lipoxygenase homology PLAT domains 1; minus strand). Cytogenetic location: 18q21.1.
Variant type: single nucleotide variant.
Coding change: c.5313C>T on transcript NM_001384474.1 (MANE Select); coding-DNA position 5313, C replaced by T.
Protein change: p.Gly1771=; no amino-acid change (glycine 1771 retained).
Molecular consequence: synonymous variant.
Genome position (GRCh38, 1-based): chr18:46,518,215, G>A on the plus strand (C>T on the coding strand, the complement: LOXHD1 is on the minus strand). VCF-style: chr18-46518215-G-A. GRCh37 (hg19) VCF-style: chr18-44098178-G-A.
Other names: c.1980C>T, p.Gly660= (NM_001145472.3); c.30C>T, p.Gly10= (NM_001145473.3, NM_001173129.2); c.1692C>T, p.Gly564= (NM_001308013.2); c.5127C>T, p.Gly1709= (NM_144612.7).
Identifiers: ClinVar variation 47943 (VCV000047943.56), dbSNP rs373924055, ClinGen allele CA142231.